The following is an entry in ClinVar:

ClinVar aggregate classification (germline): Uncertain significance (1 of 4 stars; one submission).

Conditions:
EGFR-related lung cancer (EGFR). Identifiers: MedGen CN130014.

Submission:

Labcorp Genetics (formerly Invitae), Labcorp
Classification: Uncertain significance for EGFR-related lung cancer. Last evaluated: 2021-11-29. Review status: criteria provided, single submitter. Criteria: Invitae Variant Classification Sherloc (09022015). Collection method: clinical testing. Allele origin: germline.
Comment: This sequence change falls in intron 20 of the EGFR gene. It does not directly change the encoded amino acid sequence of the EGFR protein. It affects a nucleotide within the consensus splice site. This variant is not present in population databases (gnomAD no frequency). This variant has not been reported in the literature in individuals affected with EGFR-related conditions. Variants that disrupt the consensus splice site are a relatively common cause of aberrant splicing (PMID: 17576681, 9536098). Algorithms developed to predict the effect of sequence changes on RNA splicing suggest that this variant is not likely to affect RNA splicing. In summary, the available evidence is currently insufficient to determine the role of this variant in disease. Therefore, it has been classified as a Variant of Uncertain Significance.

Literature cited by the submitters: PubMed 17576681; PubMed 9536098.

NM_005228.5(EGFR):c.2470-3C>T

Gene: EGFR (epidermal growth factor receptor; plus strand). Cytogenetic location: 7p11.2.
Variant type: single nucleotide variant.
Coding change: c.2470-3C>T on transcript NM_005228.5 (MANE Select); 3 bases into the intron before coding-DNA position 2470, C replaced by T.
Molecular consequence: intron variant.
Genome position (GRCh38, 1-based): chr7:55,191,716, C>T. VCF-style: chr7-55191716-C-T. GRCh37 (hg19) VCF-style: chr7-55259409-C-T.
Other names: c.2335-3C>T (NM_001346899.2, NM_001346897.2); c.1669-3C>T (NM_001346941.2); c.2470-3C>T (NM_001346898.2); c.2311-3C>T (NM_001346900.2).
Identifiers: ClinVar variation 1395683 (VCV001395683.6), dbSNP rs2128964344, ClinGen allele CA2573142229.